The following is an entry in ClinVar:

NM_002894.3(RBBP8):c.2358-2A>G

Gene: RBBP8 (RB binding protein 8, endonuclease; plus strand). Cytogenetic location: 18q11.2.
Variant type: single nucleotide variant.
Coding change: c.2358-2A>G on transcript NM_002894.3 (MANE Select); the canonical splice acceptor site of the intron before coding-DNA position 2358, A replaced by G.
Molecular consequence: splice acceptor variant. On other transcripts: intron variant (1).
Genome position (GRCh38, 1-based): chr18:23,016,826, A>G. VCF-style: chr18-23016826-A-G. GRCh37 (hg19) VCF-style: chr18-20596789-A-G.
Other names: c.2358-5303A>G (NM_203292.2); c.2358-2A>G (NM_203291.2).
Identifiers: ClinVar variation 1426264 (VCV001426264.4), dbSNP rs761376714, ClinGen allele CA8910340.
Genomic context (GRCh38, chr18:23,016,826, plus strand): 5'-TTTTGGGGATTATTTCTCCTCTGAACTCTAAGCTTTGTTAATTTAATTCATTTTTCCCCC[A>G]GAGAGACTAGCTTGCAAAATTTTCCTCATATTGAGGTGGTTCGGAAAAAAGAGGAGAGAA-3'

ClinVar aggregate classification (germline): Uncertain significance (1 of 4 stars; one submission).

Allele frequency attached by ClinVar (database versions not stated): gnomAD exomes 0.00001; TOPMed 0.00001; ExAC 0.00001; gnomAD 0.00001.
gnomAD v4.1: 4 of 1,606,408 alleles (0.00025%); highest among the groups gnomAD compares: Admixed American, 0.0033%; no homozygotes.

Submission:

Labcorp Genetics (formerly Invitae), Labcorp
Classification: Uncertain significance. Last evaluated: 2023-10-13. Review status: criteria provided, single submitter. Criteria: Invitae Variant Classification Sherloc (09022015). Collection method: clinical testing. Allele origin: germline.
Comment: This sequence change affects an acceptor splice site in intron 16 of the RBBP8 gene. It is expected to disrupt RNA splicing. Variants that disrupt the donor or acceptor splice site typically lead to a loss of protein function (PMID: 16199547), however the current clinical and genetic evidence is not sufficient to establish whether loss-of-function variants in RBBP8 cause disease. This variant is present in population databases (rs761376714, gnomAD 0.002%). This variant has not been reported in the literature in individuals affected with RBBP8-related conditions. ClinVar contains an entry for this variant (Variation ID: 1426264). Algorithms developed to predict the effect of sequence changes on RNA splicing suggest that this variant may disrupt the consensus splice site. In summary, the available evidence is currently insufficient to determine the role of this variant in disease. Therefore, it has been classified as a Variant of Uncertain Significance.

Literature cited by the submitters: PubMed 16199547.